The following is an entry in ClinVar:

ClinVar aggregate classification (germline): Uncertain significance (1 of 4 stars; one submission).

Conditions:
Familial thoracic aortic aneurysm and aortic dissection (TAAD). Also called: Thoracic aortic aneurysms and dissections. Identifiers: Orphanet 91387, MedGen C4707243, MONDO:0019625.

Submission:

Labcorp Genetics (formerly Invitae), Labcorp
Classification: Uncertain significance for Familial thoracic aortic aneurysm and aortic dissection. Last evaluated: 2025-12-08. Review status: criteria provided, single submitter. Criteria: Invitae Variant Classification Sherloc (09022015). Collection method: clinical testing. Allele origin: germline.
Comment: This variant, c.64_78dup, results in the insertion of 5 amino acid(s) of the TGFBR1 protein (p.Ala22_Ala26dup), but otherwise preserves the integrity of the reading frame. The frequency data for this variant in the population databases is considered unreliable, as metrics indicate insufficient coverage at this position in the gnomAD database. This variant has been observed in individual(s) with TGFBR1-related disorder (PMID: 29510914). Experimental studies and prediction algorithms are not available or were not evaluated, and the functional significance of this variant is currently unknown. In summary, the available evidence is currently insufficient to determine the role of this variant in disease. Therefore, it has been classified as a Variant of Uncertain Significance.

Literature cited by the submitters: PubMed 29510914.

NM_004612.4(TGFBR1):c.52GCG[14] (p.Ala22_Ala26dup)

Gene: TGFBR1 (transforming growth factor beta receptor 1; plus strand). Cytogenetic location: 9q22.33.
Variant type: Microsatellite.
Coding change: c.52GCG[14] on transcript NM_004612.4 (MANE Select); 14 copies in a row of the 3-base unit GCG starting at c.52; the reference has nine copies in a row; five copies, 15 bases duplicated.
Protein change: p.Ala22_Ala26dup.
Molecular consequence: inframe insertion.
Genome position (GRCh38, 1-based): chr9:99,105,269-99,105,283, GCGGCGGCGGCGGCG duplicated; duplicating any 15 consecutive bases within chr9:99,105,256-99,105,283 gives the same sequence; the position shown is the placement nearest the transcript's 3' end. VCF-style (leftmost placement, unchanged base first): chr9-99105255-T-TGGCGGCGGCGGCGGC. GRCh37 (hg19) VCF-style: chr9-101867537-T-TGGCGGCGGCGGCGGC.
Other names: c.52GCG[14], p.Ala22_Ala26dup (NM_001130916.3, NM_001306210.2).
Identifiers: ClinVar variation 1026429 (VCV001026429.9), dbSNP rs11466445, ClinGen allele CA1127261668.